The following is an entry in ClinVar:

ClinVar aggregate classification (germline): Uncertain significance (1 of 4 stars; one submission).

Conditions:
Inborn genetic diseases. Identifiers: MedGen C0950123, MeSH D030342.

gnomAD v4.1: 6 of 1,606,260 alleles (0.00037%); highest among the groups gnomAD compares: South Asian, 0.0067%; no homozygotes.

Submission:

Ambry Genetics
Classification: Uncertain significance for Inborn genetic diseases. Last evaluated: 2026-09-02. Review status: criteria provided, single submitter. Criteria: Ambry Variant Classification Scheme 2023. Collection method: clinical testing. Allele origin: germline.
Comment: The c.5651A>T (p.E1884V) alteration is located in exon 36 (coding exon 36) of the PKD1L1 gene. This alteration results from a A to T substitution at nucleotide position 5651, causing the glutamic acid (E) at amino acid position 1884 to be replaced by a valine (V). Based on data from gnomAD, the T allele has an overall frequency of 0.001% (3/233354) total alleles studied. The highest observed frequency was 0.011% (3/28154) of South Asian alleles. Based on insufficient or conflicting evidence, the clinical significance of this alteration remains unclear.

NM_138295.5(PKD1L1):c.5651A>T (p.Glu1884Val)

Gene: PKD1L1 (polycystin 1 like 1, transient receptor potential channel interacting; minus strand). Cytogenetic location: 7p12.3.
Variant type: single nucleotide variant.
Coding change: c.5651A>T on transcript NM_138295.5 (MANE Select); coding-DNA position 5651, A replaced by T.
Protein change: p.Glu1884Val; replaces glutamic acid 1884 with valine.
Molecular consequence: missense variant.
Genome position (GRCh38, 1-based): chr7:47,839,564, T>A on the plus strand (A>T on the coding strand, the complement: PKD1L1 is on the minus strand). VCF-style: chr7-47839564-T-A. GRCh37 (hg19) VCF-style: chr7-47879162-T-A.
Other names: short protein forms E1884V.
Identifiers: ClinVar variation 5026765 (VCV005026765.1).